The following is an entry in ClinVar:

ClinVar aggregate classification (germline): Likely benign. Review status: criteria provided, single submitter (1 of 4 stars). 2 submissions from 2 submitters: Likely benign (1). 1 of the submissions does not count toward it. Last evaluated 2026-01-28.

Conditions:
USH2A-related disorder. Also called: USH2A-related condition; USH2A-related disorders. Identifiers: MedGen CN239332.

Allele frequency attached by ClinVar (database versions not stated): ExAC 0.00001; gnomAD exomes 0.00001; gnomAD 0.00002; TOPMed 0.00003; ESP Exome Variant Server 0.00015.
gnomAD v4.1: 13 of 1,613,406 alleles (0.00081%); highest among the groups gnomAD compares: African/African-American, 0.0013%; no homozygotes.

Submissions (2):

Labcorp Genetics (formerly Invitae), Labcorp
Classification: Likely benign. Last evaluated: 2026-01-28. Review status: criteria provided, single submitter. Criteria: Invitae Variant Classification Sherloc (09022015). Collection method: clinical testing. Allele origin: germline.

PreventionGenetics, part of Exact Sciences
Classification: Likely benign for USH2A-related condition. Last evaluated: 2019-09-18. Review status: no assertion criteria provided. Collection method: clinical testing. Allele origin: germline. Not counted in ClinVar's aggregate classification.
Comment: This variant is classified as likely benign based on ACMG/AMP sequence variant interpretation guidelines (Richards et al. 2015 PMID: 25741868, with internal and published modifications).

NM_206933.4(USH2A):c.5028A>G (p.Val1676=)

Genes: USH2A (usherin; minus strand), USH2A-AS2 (USH2A antisense RNA 2; plus strand). Cytogenetic location: 1q41.
Variant type: single nucleotide variant.
Coding change: c.5028A>G on transcript NM_206933.4 (MANE Select); coding-DNA position 5028, A replaced by G.
Protein change: p.Val1676=; no amino-acid change (valine 1676 retained).
Molecular consequence: synonymous variant.
Genome position (GRCh38, 1-based): chr1:216,084,837, T>C on the plus strand (A>G on the coding strand, the complement: USH2A is on the minus strand). VCF-style: chr1-216084837-T-C. GRCh37 (hg19) VCF-style: chr1-216258179-T-C.
Other names: c.5028A>G (NM_206933.2).
Identifiers: ClinVar variation 1103396 (VCV001103396.11), dbSNP rs376661078, ClinGen allele CA1395551.
Genomic context (GRCh38, chr1:216,084,837, plus strand): 5'-AGAACTCTGCCAATCCAGAGGTTCCCAAATAGCTGACGGATTGTAATTCTTCATAAAATG[T>C]ACATCCTTGAGACAGCCCACAAAACCTTTTTGGATTATCTCTGCAGGAGTTTATAGATAT-3'
Protein context (NP_996816.3, residues 1666-1686): QKGFVGCLKD[Val1676=]HFMKNYNPSA